The following is an entry in ClinVar:

NM_000202.8(IDS):c.1459A>G (p.Ile487Val)

Gene: IDS (iduronate 2-sulfatase; minus strand). Cytogenetic location: Xq28.
Variant type: single nucleotide variant.
Coding change: c.1459A>G on transcript NM_000202.8 (MANE Select); coding-DNA position 1459, A replaced by G.
Protein change: p.Ile487Val; replaces isoleucine 487 with valine.
Molecular consequence: missense variant.
Genome position (GRCh38, 1-based): chrX:149,482,940, T>C on the plus strand (A>G on the coding strand, the complement: IDS is on the minus strand). VCF-style: chrX-149482940-T-C. GRCh37 (hg19) VCF-style: chrX-148564471-T-C.
Other names: c.1189A>G, p.Ile397Val (NM_001166550.4); short protein forms I397V, I487V.
Identifiers: ClinVar variation 1712096 (VCV001712096.2), dbSNP rs1210168364, ClinGen allele CA414518043.

ClinVar aggregate classification (germline): Uncertain significance (1 of 4 stars; one submission).

Allele frequency attached by ClinVar (database versions not stated): gnomAD exomes below 0.00001; TOPMed below 0.00001; gnomAD 0.00001.
gnomAD v4.1: 3 of 1,209,693 alleles (0.00025%); highest among the groups gnomAD compares: Non-Finnish European, 0.00034%; no homozygotes.

Submission:

GeneDx
Classification: Uncertain significance. Last evaluated: 2022-04-21. Review status: criteria provided, single submitter. Criteria: GeneDx Variant Classification Process June 2021. Collection method: clinical testing. Allele origin: germline. Affected: yes.
Comment: Not observed at significant frequency in large population cohorts (gnomAD); In silico analysis supports that this missense variant does not alter protein structure/function; Has not been previously published as pathogenic or benign to our knowledge